The following is an entry in ClinVar:

NM_024529.5(CDC73):c.91T>C (p.Ser31Pro)

Gene: CDC73 (cell division cycle 73; plus strand). Cytogenetic location: 1q31.2.
Variant type: single nucleotide variant.
Coding change: c.91T>C on transcript NM_024529.5 (MANE Select); coding-DNA position 91, T replaced by C.
Protein change: p.Ser31Pro; replaces serine 31 with proline.
Molecular consequence: missense variant.
Genome position (GRCh38, 1-based): chr1:193,122,291, T>C. VCF-style: chr1-193122291-T-C. GRCh37 (hg19) VCF-style: chr1-193091421-T-C.
Other names: short protein forms S31P.
Identifiers: ClinVar variation 3227886 (VCV003227886.1), dbSNP rs2527281394, ClinGen allele CA343972925.

ClinVar aggregate classification (germline): Uncertain significance (1 of 4 stars; one submission).

Conditions:
Hereditary cancer-predisposing syndrome. Also called: Neoplastic Syndromes, Hereditary; Tumor predisposition; Hereditary neoplastic syndrome; Hereditary Cancer Syndrome. Identifiers: Orphanet 140162, MedGen C0027672, MeSH D009386, MONDO:0015356.

Submission:

Ambry Genetics
Classification: Uncertain significance for Hereditary cancer-predisposing syndrome. Last evaluated: 2024-02-24. Review status: criteria provided, single submitter. Criteria: Ambry Variant Classification Scheme 2023. Collection method: clinical testing. Allele origin: germline.
Comment: The p.S31P variant (also known as c.91T>C), located in coding exon 1 of the CDC73 gene, results from a T to C substitution at nucleotide position 91. The serine at codon 31 is replaced by proline, an amino acid with similar properties. This amino acid position is conserved. In addition, this alteration is predicted to be deleterious by in silico analysis. Based on the available evidence, the clinical significance of this alteration remains unclear.